The following is an entry in ClinVar:

NM_030665.4(RAI1):c.2082C>T (p.Phe694=)

Gene: RAI1 (retinoic acid induced 1; plus strand). Cytogenetic location: 17p11.2.
Variant type: single nucleotide variant.
Coding change: c.2082C>T on transcript NM_030665.4 (MANE Select); coding-DNA position 2082, C replaced by T.
Protein change: p.Phe694=; no amino-acid change (phenylalanine 694 retained).
Molecular consequence: synonymous variant.
Genome position (GRCh38, 1-based): chr17:17,795,030, C>T. VCF-style: chr17-17795030-C-T. GRCh37 (hg19) VCF-style: chr17-17698344-C-T.
Identifiers: ClinVar variation 1597144 (VCV001597144.23), dbSNP rs776938903, ClinGen allele CA8418456.

ClinVar aggregate classification (germline): Likely benign. Review status: criteria provided, multiple submitters, no conflicts (2 of 4 stars). 3 submissions from 3 submitters: Likely benign (3). Last evaluated 2025-02-01.

Conditions:
Inborn genetic diseases. Identifiers: MedGen C0950123, MeSH D030342.

Allele frequency attached by ClinVar (database versions not stated): gnomAD 0.00001; TOPMed 0.00001; ExAC 0.00003; gnomAD exomes 0.00004.
gnomAD v4.1: 39 of 1,614,004 alleles (0.0024%); highest among the groups gnomAD compares: South Asian, 0.033%; no homozygotes.

Submissions (3):

CeGaT Center for Human Genetics Tuebingen
Classification: Likely benign. Last evaluated: 2025-02-01. Review status: criteria provided, single submitter. Criteria: CeGaT Center For Human Genetics Tuebingen Variant Classification Criteria Version 2. Collection method: clinical testing. Allele origin: germline. Affected: yes. Observed: 1 variant allele.
Comment: RAI1: BP4, BP7

Labcorp Genetics (formerly Invitae), Labcorp
Classification: Likely benign. Last evaluated: 2024-11-21. Review status: criteria provided, single submitter. Criteria: Invitae Variant Classification Sherloc (09022015). Collection method: clinical testing. Allele origin: germline.

Ambry Genetics
Classification: Likely benign for Inborn genetic diseases. Last evaluated: 2019-12-05. Review status: criteria provided, single submitter. Criteria: Ambry Variant Classification Scheme 2023. Collection method: clinical testing. Allele origin: germline.